The following is an entry in ClinVar:

NM_001754.5(RUNX1):c.497G>A (p.Arg166Gln)

Genes: RUNX1 (RUNX family transcription factor 1; minus strand), RUNX1-AS1 (RUNX1 antisense RNA 1; plus strand). Cytogenetic location: 21q22.12.
Variant type: single nucleotide variant.
Coding change: c.497G>A on transcript NM_001754.5 (MANE Select); coding-DNA position 497, G replaced by A.
Protein change: p.Arg166Gln; replaces arginine 166 with glutamine.
Molecular consequence: missense variant.
Genome position (GRCh38, 1-based): chr21:34,880,568, C>T on the plus strand (G>A on the coding strand, the complement: RUNX1 is on the minus strand). VCF-style: chr21-34880568-C-T. GRCh37 (hg19) VCF-style: chr21-36252865-C-T.
Other names: NM_001754.4(RUNX1):c.497G>A; NM_001754.5(RUNX1):c.497G>A; c.416G>A, p.Arg139Gln (NM_001001890.3, NM_001122607.2); short protein forms R166Q, R139Q.
Identifiers: ClinVar variation 417961 (VCV000417961.19), dbSNP rs1060499616, ClinGen allele CA16616941.
Genomic context (GRCh38, chr21:34,880,568, plus strand): 5'-TTTGTTGCCATGAAACGTGTTTCAAGCATAGTTTTGACAGATAACGTACCTCTTCCACTT[C>T]GACCGACAAACCTGAGGTCATTAAATCTTGCAACCTGGTTCTTCATGGCTGCGGTAGCAT-3'
Protein context (NP_001745.2, residues 156-176): ARFNDLRFVG[Arg166Gln]SGRGKSFTLT

ClinVar aggregate classification (germline): Pathogenic. Review status: reviewed by expert panel (3 of 4 stars). 9 submissions from 9 submitters: Pathogenic (1). 8 of the submissions do not count toward it. Last evaluated 2026-05-27.

Conditions:
Inherited bleeding disorder, platelet-type. Also called: Platelet disorder; Platelet-type bleeding disorder. Identifiers: Orphanet 248326, MedGen C0005818, MeSH D001791, MONDO:0000009.
RUNX1-related disorder. Also called: RUNX1-related condition.
Hereditary thrombocytopenia and hematologic cancer predisposition syndrome. Identifiers: Orphanet 71290, MedGen CN281654, MONDO:0011071.
Inborn genetic diseases. Identifiers: MedGen C0950123, MeSH D030342.
Hereditary thrombocytopenia and hematological cancer predisposition syndrome associated with RUNX1. Also called: Familial Platelet Disorder with Propensity to Acute Myelogenous Leukemia; Familial thrombocytopenia with propensity to acute myelogenous leukemia; PLATELET DISORDER, ASPIRIN-LIKE; RUNX1 Familial Platelet Disorder with Associated Myeloid Malignancies. Identifiers: Orphanet 71290, MedGen C1832388, MeSH C563324, MONDO:0100083, OMIM 601399.

Allele frequency attached by ClinVar (database versions not stated): gnomAD exomes below 0.00001.
gnomAD v4.1: 2 of 1,614,088 alleles (0.00012%); highest among the groups gnomAD compares: Non-Finnish European, 0.00017%; no homozygotes.

Submissions (9):

ClinGen Myeloid Malignancy Variant Curation Expert Panel
Classification: Pathogenic for Hereditary thrombocytopenia and hematologic cancer predisposition syndrome. Last evaluated: 2026-05-27. Review status: reviewed by expert panel. Criteria: ClinGen MyeloMalig ACMG Specifications V3.1. Collection method: curation. Allele origin: germline. Inheritance: Autosomal dominant inheritance.
Comment: NM_001754.5(RUNX1):c.497G>A (p.Arg166Gln) is a missense variant which affects one of the hotspot residues (R166) within the RHD (PM1_Strong). Transactivation assays demonstrate altered transactivation (<20% of wt) and data from secondary assays demonstrate altered DNA binding, CBFβ binding, and sub-cellular localization (PS3; PMID: 11830488, 25840971, 23848403). This variant is completely absent from all population databases with at least 20x coverage for RUNX1 (PM2_Supporting) and has a REVEL score of >0.75 (0.96) (PP3). This variant has been reported in three probands meeting at least one of the RUNX1-phenotypic criteria (PS4_Moderate; PMID: 10508512, 28960434, 26175287) and was found to co-segregate with disease in multiple affected family members, with three meioses observed across one family (PP1; PMID: 10508512). This variant was reported in two unrelated probands meeting at least one of the RUNX1- phenotypic criteria with assumed de novo occurrence (without confirmation of maternity and paternity) (PM6_ Supporting; PMID: 8960434, 26175287). In summary, this variant meets criteria to be classified as pathogenic. ACMG/AMP criteria applied, as specified by the Myeloid Malignancy Variant Curation Expert Panel for RUNX1: PM1_Strong, PS3, PM2_Supporting, PP3, PS4_Moderate, PP1, PM6_Supporting.

Labcorp Genetics (formerly Invitae), Labcorp
Classification: Pathogenic for Hereditary thrombocytopenia and hematological cancer predisposition syndrome associated with RUNX1. Last evaluated: 2026-02-01. Review status: criteria provided, single submitter. Criteria: Invitae Variant Classification Sherloc (09022015). Collection method: clinical testing. Allele origin: germline. Not counted in ClinVar's aggregate classification.
Comment: This sequence change replaces arginine, which is basic and polar, with glutamine, which is neutral and polar, at codon 166 of the RUNX1 protein (p.Arg166Gln). This variant is not present in population databases (gnomAD no frequency). This missense change has been observed in individual(s) with thrombocytopenia, myelodysplastic syndrome and/or acute myeloid leukemia (PMID: 10508512, 26175287, 27210295, 28960434). It has also been observed to segregate with disease in related individuals. This variant is also known as c.416G>A. ClinVar contains an entry for this variant (Variation ID: 417961). Invitae Evidence Modeling of protein sequence and biophysical properties (such as structural, functional, and spatial information, amino acid conservation, physicochemical variation, residue mobility, and thermodynamic stability) has been performed for this missense variant. However, the output from this modeling did not meet the statistical confidence thresholds required to predict the impact of this variant on RUNX1 protein function. Experimental studies have shown that this missense change affects RUNX1 function (PMID: 11830488, 22012064, 23848403, 25840971, 26916619, 31048839). This variant disrupts the p.Arg166 amino acid residue in RUNX1. Other variant(s) that disrupt this residue have been determined to be pathogenic (PMID: 11049997, 12002768, 22318203, 25840971). This suggests that this residue is clinically significant, and that variants that disrupt this residue are likely to be disease-causing. For these reasons, this variant has been classified as Pathogenic.

Ambry Genetics
Classification: Likely pathogenic for Inborn genetic diseases. Last evaluated: 2025-05-16. Review status: criteria provided, single submitter. Criteria: Ambry Variant Classification Scheme 2023. Collection method: clinical testing. Allele origin: germline. Not counted in ClinVar's aggregate classification.
Comment: The p.R166Q variant (also known as c.497G>A), located in coding exon 4 of the RUNX1 gene, results from a G to A substitution at nucleotide position 497. The arginine at codon 166 is replaced by glutamine, an amino acid with highly similar properties. This variant was reported in individual(s) with features consistent with RUNX1 familial platelet disorder with associated myeloid malignancies (Romasko EJ et al. Am J Hematol, 2018 Jan;93:8-16; Ovsyannikova GS et al. Haematologica, 2022 Oct;107:2511-2516; Sheng XF et al. J Int Med Res, 2022 Sep;50:3000605221122741; Liu C et al. EJHaem, 2023 Feb;4:145-152; Gupta A et al. Indian J Hematol Blood Transfus, 2024 Jan;40:177-178). Immunoprecipitation assays showed that p.R166Q reduced binding affinity for CBFbeta, but retained interaction with ETS-1 and FLI-1 (Okada Y et al. J Thromb Haemost, 2013 Sep;11:1742-50). This variant is considered to be rare based on population cohorts in the Genome Aggregation Database (gnomAD). This amino acid position is highly conserved in available vertebrate species. In addition, this alteration is predicted to be deleterious by in silico analysis. Based on the majority of available evidence to date, this variant is likely to be pathogenic.

GeneDx
Classification: Pathogenic. Last evaluated: 2024-08-16. Review status: criteria provided, single submitter. Criteria: GeneDx Variant Classification Process June 2021. Collection method: clinical testing. Allele origin: germline. Affected: yes. Not counted in ClinVar's aggregate classification.
Comment: In silico analysis supports that this missense variant has a deleterious effect on protein structure/function; Not observed at significant frequency in large population cohorts (gnomAD); Also known as c.416G>A (p.R139Q); This variant is associated with the following publications: (PMID: 11830488, 23848403, 30989185, 28179279, 12060124, 10508512, 28960434, 25840971, 32208489, 35796010, 37647632, 38312193, 33692461, 25525159, 26175287)

Mayo Clinic Laboratories, Mayo Clinic
Classification: Pathogenic. Last evaluated: 2024-07-10. Review status: criteria provided, single submitter. Criteria: ACMG Guidelines, 2015. Collection method: clinical testing. Allele origin: germline. Observed: 65 variant alleles. Not counted in ClinVar's aggregate classification.
Comment: PP1, PP3, PP4, PP5, PM1_supporting, PM2, PM6, PS3, PS4_moderate

Knight Diagnostic Laboratories, Oregon Health and Sciences University
Classification: Pathogenic for Platelet disorder. Last evaluated: 2019-10-04. Review status: criteria provided, single submitter. Criteria: ACMG Guidelines, 2015. Collection method: clinical testing. Allele origin: germline. Observed: 1 variant allele. Not counted in ClinVar's aggregate classification.

ISTH-SSC Genomics in Thrombosis and Hemostasis, KU Leuven, Center for Molecular and Vascular Biology
Classification: Pathogenic for Hereditary thrombocytopenia and hematological cancer predisposition syndrome associated with RUNX1. Review status: criteria provided, single submitter. Criteria: ACMG Guidelines, 2015. Collection method: clinical testing. Allele origin: germline. Affected: yes. Observed: 1 heterozygote. Not counted in ClinVar's aggregate classification.
Comment: Submitted to the GoldVariant database by Dr Marie-Christine Morel-Kopp; Northern Blood Research Centre, Sydney, Australia

PreventionGenetics, part of Exact Sciences
Classification: Pathogenic for RUNX1-related condition. Last evaluated: 2024-04-17. Review status: no assertion criteria provided. Collection method: clinical testing. Allele origin: germline. Not counted in ClinVar's aggregate classification.
Comment: The RUNX1 c.497G>A variant is predicted to result in the amino acid substitution p.Arg166Gln. This variant is a highly curated, known pathogenic variant that is associated with RUNX1-mediated disease and predisposition for MDS / AML (for details see ClinVar; Luo et al. 2019. PubMed ID: 31648317). This variant is not present in a large population database, indicating this variant is rare. This variant is interpreted as pathogenic.

Division of Human Genetics, Children's Hospital of Philadelphia
Classification: Likely pathogenic for Hereditary thrombocytopenia and hematological cancer predisposition syndrome associated with RUNX1. Last evaluated: 2016-03-06. Review status: no assertion criteria provided. Collection method: research. Allele origin: de novo. Affected: yes. Study: CSER-PediSeq. Not counted in ClinVar's aggregate classification.

Literature cited by the submitters: PubMed 25840971 (cited by 3 submitters); PubMed 26175287 (cited by 3 submitters); PubMed 11830488 (cited by 3 submitters); PubMed 10508512 (cited by 4 submitters); PubMed 28960434 (cited by 4 submitters); PubMed 23848403 (cited by 4 submitters); PubMed 27210295 (cited by Labcorp Genetics (formerly Invitae), Labcorp); PubMed 22012064 (cited by Labcorp Genetics (formerly Invitae), Labcorp); PubMed 26916619 (cited by Labcorp Genetics (formerly Invitae), Labcorp); PubMed 31048839 (cited by Labcorp Genetics (formerly Invitae), Labcorp and Mayo Clinic Laboratories, Mayo Clinic); PubMed 11049997 (cited by Labcorp Genetics (formerly Invitae), Labcorp); PubMed 12002768 (cited by Labcorp Genetics (formerly Invitae), Labcorp); PubMed 22318203 (cited by Labcorp Genetics (formerly Invitae), Labcorp); PubMed 35796010 (cited by Ambry Genetics and Mayo Clinic Laboratories, Mayo Clinic); PubMed 36134564 (cited by Ambry Genetics); PubMed 36819173 (cited by Ambry Genetics); PubMed 38312193 (cited by Ambry Genetics and Mayo Clinic Laboratories, Mayo Clinic); PubMed 33692461 (cited by Mayo Clinic Laboratories, Mayo Clinic).